The following is an entry in ClinVar:

NM_006231.4(POLE):c.909+3G>A

Gene: POLE (DNA polymerase epsilon, catalytic subunit; minus strand). Cytogenetic location: 12q24.33.
Variant type: single nucleotide variant.
Coding change: c.909+3G>A on transcript NM_006231.4 (MANE Select); 3 bases into the intron after coding-DNA position 909, G replaced by A.
Molecular consequence: intron variant.
Genome position (GRCh38, 1-based): chr12:132,676,543, C>T on the plus strand (G>A on the coding strand, the complement: POLE is on the minus strand). VCF-style: chr12-132676543-C-T. GRCh37 (hg19) VCF-style: chr12-133253129-C-T.
Other names: c.909+3G>A (NM_006231.2).
Identifiers: ClinVar variation 3621744 (VCV003621744.4).
Genomic context (GRCh38, chr12:132,676,543, plus strand): 5'-TAGTATGGGGACCAGACAAGGTCCCCATCCCAGGAGCTTACTTCCCAGAAGCCACCTGCT[C>T]ACCTGGCCATCGATCATGTAGGAAATCATCATAATCTGGTCTGTCTCAGCATCAGGAAAC-3'

ClinVar aggregate classification (germline): Conflicting classifications of pathogenicity. Review status: criteria provided, conflicting classifications (1 of 4 stars). 3 submissions from 3 submitters: Uncertain significance (1); Likely benign (2). Last evaluated 2025-06-12.

Conditions:
Hereditary cancer-predisposing syndrome. Also called: Tumor predisposition; Hereditary neoplastic syndrome; Neoplastic Syndromes, Hereditary; Hereditary Cancer Syndrome. Identifiers: Orphanet 140162, MedGen C0027672, MeSH D009386, MONDO:0015356.
Colorectal cancer, susceptibility to, 12 (CRCS12). Also called: COLORECTAL CANCER, SUSCEPTIBILITY TO, ON CHROMOSOME 12q24. Identifiers: Orphanet 220460, MedGen C3554460, MONDO:0014038, OMIM 615083.

gnomAD v4.1: 2 of 1,603,198 alleles (0.00012%); highest among the groups gnomAD compares: East Asian, 0.0022%; no homozygotes.

Submissions (3):

Ambry Genetics
Classification: Uncertain significance for Hereditary cancer-predisposing syndrome. Last evaluated: 2025-06-12. Review status: criteria provided, single submitter. Criteria: Ambry Variant Classification Scheme 2023. Collection method: clinical testing. Allele origin: germline.
Comment: The c.909+3G>A intronic variant results from a G to A substitution 3 nucleotides after coding exon 9 in the POLE gene. This nucleotide position is not well conserved in available vertebrate species. In silico splice site analysis predicts that this alteration will not have any significant effect on splicing. Based on the available evidence, the clinical significance of this variant remains unclear.

Myriad Genetics, Inc.
Classification: Likely benign for Colorectal cancer, susceptibility to, 12. Last evaluated: 2025-02-07. Review status: criteria provided, single submitter. Criteria: Myriad Autosomal Dominant, Autosomal Recessive and X-Linked Classification Criteria (2023). Collection method: clinical testing. Allele origin: unknown.
Comment: This variant is considered likely benign. This variant is intronic and is not expected to impact mRNA splicing.

Labcorp Genetics (formerly Invitae), Labcorp
Classification: Likely benign. Last evaluated: 2024-09-09. Review status: criteria provided, single submitter. Criteria: Invitae Variant Classification Sherloc (09022015). Collection method: clinical testing. Allele origin: germline.